The following is an entry in ClinVar:

ClinVar aggregate classification (germline): Uncertain significance (1 of 4 stars; one submission).

gnomAD v4.1: 12 of 1,609,268 alleles (0.00075%); highest among the groups gnomAD compares: Non-Finnish European, 0.001%; no homozygotes.

Submission:

Ambry Genetics
Classification: Uncertain significance. Last evaluated: 2025-01-27. Review status: criteria provided, single submitter. Criteria: Ambry Variant Classification Scheme 2023. Collection method: clinical testing. Allele origin: germline.
Comment: The p.V472I variant (also known as c.1414G>A), located in coding exon 2 of the CDK12 gene, results from a G to A substitution at nucleotide position 1414. The valine at codon 472 is replaced by isoleucine, an amino acid with highly similar properties. This amino acid position is conserved. In addition, this alteration is predicted to be tolerated by in silico analysis. Based on the available evidence, the clinical significance of this variant remains unclear.

NM_016507.4(CDK12):c.1414G>A (p.Val472Ile)

Gene: CDK12 (cyclin dependent kinase 12; plus strand). Cytogenetic location: 17q12.
Variant type: single nucleotide variant.
Coding change: c.1414G>A on transcript NM_016507.4 (MANE Select); coding-DNA position 1414, G replaced by A.
Protein change: p.Val472Ile; replaces valine 472 with isoleucine.
Molecular consequence: missense variant.
Genome position (GRCh38, 1-based): chr17:39,471,246, G>A. VCF-style: chr17-39471246-G-A. GRCh37 (hg19) VCF-style: chr17-37627499-G-A.
Other names: c.1414G>A, p.Val472Ile (NM_015083.4); short protein forms V472I.
Identifiers: ClinVar variation 3830567 (VCV003830567.1).